The following is an entry in ClinVar:

NM_001886.3(CRYBA4):c.324A>T (p.Thr108=)

Gene: CRYBA4 (crystallin beta A4; plus strand). Cytogenetic location: 22q12.1.
Variant type: single nucleotide variant.
Coding change: c.324A>T on transcript NM_001886.3 (MANE Select); coding-DNA position 324, A replaced by T.
Protein change: p.Thr108=; no amino-acid change (threonine 108 retained).
Molecular consequence: synonymous variant.
Genome position (GRCh38, 1-based): chr22:26,628,311, A>T. VCF-style: chr22-26628311-A-T. GRCh37 (hg19) VCF-style: chr22-27024275-A-T.
Identifiers: ClinVar variation 474086 (VCV000474086.16), dbSNP rs143137736, ClinGen allele CA10165794.

ClinVar aggregate classification (germline): Benign/Likely benign. Review status: criteria provided, multiple submitters, no conflicts (2 of 4 stars). 4 submissions from 4 submitters: Benign (1); Likely benign (2). 1 of the submissions does not count toward it. Last evaluated 2026-01-12.

Conditions:
CRYBA4-related disorder. Also called: CRYBA4-related condition.
Cataract 23 (CTRCT23). Also called: CATARACT 23, LAMELLAR; Cataract 23, multiple types. Identifiers: Orphanet 91492, MedGen C3808012, MONDO:0012489, OMIM 610425.

Allele frequency attached by ClinVar (database versions not stated): ESP Exome Variant Server 0.00038; gnomAD exomes 0.00140 and 0.00616; gnomAD 0.00206 and 0.00225; ExAC 0.00466; TOPMed 0.00503; 1000 Genomes Project 0.00619; 1000 Genomes Project 30x 0.00671.
gnomAD v4.1: 2,378 of 1,613,978 alleles (0.15%); highest among the groups gnomAD compares: Admixed American, 3.7%; 55 homozygotes.

Submissions (4):

Labcorp Genetics (formerly Invitae), Labcorp
Classification: Benign for Cataract 23. Last evaluated: 2026-01-12. Review status: criteria provided, single submitter. Criteria: Invitae Variant Classification Sherloc (09022015). Collection method: clinical testing. Allele origin: germline.

GeneDx
Classification: Likely benign. Last evaluated: 2020-05-09. Review status: criteria provided, single submitter. Criteria: GeneDx Variant Classification Process June 2021. Collection method: clinical testing. Allele origin: germline. Affected: yes.

Breakthrough Genomics
Classification: Likely benign. Review status: criteria provided, single submitter. Criteria: ACMG Guidelines, 2015. Collection method: not provided. Allele origin: germline. Inheritance: Unknown mechanism. Affected: yes.

PreventionGenetics, part of Exact Sciences
Classification: Benign for CRYBA4-related condition. Last evaluated: 2019-07-11. Review status: no assertion criteria provided. Collection method: clinical testing. Allele origin: germline. Not counted in ClinVar's aggregate classification.
Comment: This variant is classified as benign based on ACMG/AMP sequence variant interpretation guidelines (Richards et al. 2015 PMID: 25741868, with internal and published modifications).